The following is an entry in ClinVar:

NM_001159699.2(FHL1):c.737-18_737-8delinsTTTTTT

Gene: FHL1 (four and a half LIM domains 1; plus strand). Cytogenetic location: Xq26.3.
Variant type: Indel.
Coding change: c.737-18_737-8delinsTTTTTT on transcript NM_001159699.2 (MANE Select); 18 bases into the intron before coding-DNA position 737 through 8 bases into the intron before coding-DNA position 737, CTTTTTTTTTC replaced by TTTTTT.
Molecular consequence: intron variant.
Genome position (GRCh38, 1-based): chrX:136,209,853-136,209,863, CTTTTTTTTTC replaced by TTTTTT. VCF-style: chrX-136209853-CTTTTTTTTTC-TTTTTT. GRCh37 (hg19) VCF-style: chrX-135292012-CTTTTTTTTTC-TTTTTT.
Other names: c.502-18_502-8delinsTTTTTT (NM_001159703.2); c.889-18_889-8delinsTTTTTT (NM_001369326.1, NM_001369327.2, NM_001369328.1 and 1 more transcripts); c.689-18_689-8delinsTTTTTT (NM_001369329.1, NM_001369330.1, NM_001159700.2 and 4 more transcripts); c.776-18_776-8delinsTTTTTT (NM_001159701.2); c.937-18_937-8delinsTTTTTT (NM_001440769.1); c.550-18_550-8delinsTTTTTT (NM_001330659.2).
Identifiers: ClinVar variation 4884124 (VCV004884124.2).

ClinVar aggregate classification (germline): Uncertain significance (1 of 4 stars; one submission).

Submission:

Dasa
Classification: Uncertain significance. Last evaluated: 2026-03-26. Review status: criteria provided, single submitter. Criteria: DASA Assertion Criteria. Collection method: clinical testing. Allele origin: germline.
Comment: NM_001159699.2(FHL1):c.737-18_737-8delinsTTTTTT is an intronic variant. This variant is rare in population databases. The currently available literature and clinical evidence are not sufficient to establish a definitive association between this variant and the reported condition. Therefore, this variant is classified as a variant of uncertain significance.